The following is an entry in ClinVar:

NM_014956.5(CEP164):c.203T>C (p.Ile68Thr)

Gene: CEP164 (centrosomal protein 164; plus strand). Cytogenetic location: 11q23.3.
Variant type: single nucleotide variant.
Coding change: c.203T>C on transcript NM_014956.5 (MANE Select); coding-DNA position 203, T replaced by C.
Protein change: p.Ile68Thr; replaces isoleucine 68 with threonine.
Molecular consequence: missense variant.
Genome position (GRCh38, 1-based): chr11:117,351,798, T>C. VCF-style: chr11-117351798-T-C. GRCh37 (hg19) VCF-style: chr11-117222514-T-C.
Other names: c.203T>C, p.Ile68Thr (NM_001271933.2); c.203T>C (NM_014956.4); short protein forms I68T.
Identifiers: ClinVar variation 1363597 (VCV001363597.9), dbSNP rs747800943, ClinGen allele CA6294372.

ClinVar aggregate classification (germline): Uncertain significance. Review status: criteria provided, multiple submitters, no conflicts (2 of 4 stars). 4 submissions from 4 submitters: Uncertain significance (3). 1 of the submissions does not count toward it. Last evaluated 2024-05-14.

Conditions:
Inborn genetic diseases. Identifiers: MedGen C0950123, MeSH D030342.
CEP164-related disorder. Also called: CEP164-related condition.
Nephronophthisis 15 (NPHP15). Identifiers: Orphanet 3156, MedGen C3541853, MONDO:0013917, OMIM 614845.

Allele frequency attached by ClinVar (database versions not stated): gnomAD 0.00005 and 0.00006; ExAC 0.00006; TOPMed 0.00008.

Submissions (4):

Ambry Genetics
Classification: Uncertain significance for Inborn genetic diseases. Last evaluated: 2024-05-14. Review status: criteria provided, single submitter. Criteria: Ambry Variant Classification Scheme 2023. Collection method: clinical testing. Allele origin: germline.

Labcorp Genetics (formerly Invitae), Labcorp
Classification: Uncertain significance for Nephronophthisis 15. Last evaluated: 2023-07-03. Review status: criteria provided, single submitter. Criteria: Invitae Variant Classification Sherloc (09022015). Collection method: clinical testing. Allele origin: germline.
Comment: Algorithms developed to predict the effect of missense changes on protein structure and function output the following: SIFT: "Not Available"; PolyPhen-2: "Benign"; Align-GVGD: "Not Available". The threonine amino acid residue is found in multiple mammalian species, which suggests that this missense change does not adversely affect protein function. In summary, the available evidence is currently insufficient to determine the role of this variant in disease. Therefore, it has been classified as a Variant of Uncertain Significance. ClinVar contains an entry for this variant (Variation ID: 1363597). This variant has not been reported in the literature in individuals affected with CEP164-related conditions. The frequency data for this variant in the population databases is considered unreliable, as metrics indicate poor data quality at this position in the gnomAD database. This sequence change replaces isoleucine, which is neutral and non-polar, with threonine, which is neutral and polar, at codon 68 of the CEP164 protein (p.Ile68Thr).

Fulgent Genetics
Classification: Uncertain significance for Nephronophthisis 15. Last evaluated: 2022-02-11. Review status: criteria provided, single submitter. Criteria: ACMG Guidelines, 2015. Collection method: clinical testing. Allele origin: unknown.

PreventionGenetics, part of Exact Sciences
Classification: Uncertain significance for CEP164-related condition. Last evaluated: 2024-07-23. Review status: no assertion criteria provided. Collection method: clinical testing. Allele origin: germline. Not counted in ClinVar's aggregate classification.
Comment: The CEP164 c.203T>C variant is predicted to result in the amino acid substitution p.Ile68Thr. To our knowledge, this variant has not been reported in the literature. This variant is reported in 0.0062% of alleles in individuals of European (Non-Finnish) descent in gnomAD. At this time, the clinical significance of this variant is uncertain due to the absence of conclusive functional and genetic evidence.